The following is an entry in ClinVar:

NM_006662.3(SRCAP):c.4393G>A (p.Val1465Ile)

Gene: SRCAP (Snf2 related CREBBP activator protein; plus strand). Cytogenetic location: 16p11.2.
Variant type: single nucleotide variant.
Coding change: c.4393G>A on transcript NM_006662.3 (MANE Select); coding-DNA position 4393, G replaced by A.
Protein change: p.Val1465Ile; replaces valine 1465 with isoleucine.
Molecular consequence: missense variant.
Genome position (GRCh38, 1-based): chr16:30,723,817, G>A. VCF-style: chr16-30723817-G-A. GRCh37 (hg19) VCF-style: chr16-30735138-G-A.
Other names: short protein forms V1465I.
Identifiers: ClinVar variation 1392612 (VCV001392612.6), dbSNP rs1330697816, ClinGen allele CA395615893.

ClinVar aggregate classification (germline): Uncertain significance (1 of 4 stars; one submission).

Allele frequency attached by ClinVar (database versions not stated): gnomAD exomes below 0.00001; TOPMed 0.00001.
gnomAD v4.1: 1 of 1,614,018 alleles (0.000062%); highest among the groups gnomAD compares: Non-Finnish European, 0.000085%; no homozygotes.

Submission:

Labcorp Genetics (formerly Invitae), Labcorp
Classification: Uncertain significance. Last evaluated: 2022-11-28. Review status: criteria provided, single submitter. Criteria: Invitae Variant Classification Sherloc (09022015). Collection method: clinical testing. Allele origin: germline.
Comment: This sequence change replaces valine, which is neutral and non-polar, with isoleucine, which is neutral and non-polar, at codon 1465 of the SRCAP protein (p.Val1465Ile). This variant is not present in population databases (gnomAD no frequency). This variant has not been reported in the literature in individuals affected with SRCAP-related conditions. ClinVar contains an entry for this variant (Variation ID: 1392612). Advanced modeling of protein sequence and biophysical properties (such as structural, functional, and spatial information, amino acid conservation, physicochemical variation, residue mobility, and thermodynamic stability) performed at Invitae indicates that this missense variant is not expected to disrupt SRCAP protein function. In summary, the available evidence is currently insufficient to determine the role of this variant in disease. Therefore, it has been classified as a Variant of Uncertain Significance.